The following is an entry in ClinVar:

NM_001130438.3(SPTAN1):c.6576+228G>C

Gene: SPTAN1 (spectrin alpha, non-erythrocytic 1; plus strand). Cytogenetic location: 9q34.11.
Variant type: single nucleotide variant.
Coding change: c.6576+228G>C on transcript NM_001130438.3 (MANE Select); 228 bases into the intron after coding-DNA position 6576, G replaced by C.
Molecular consequence: intron variant.
Genome position (GRCh38, 1-based): chr9:128,626,915, G>C. VCF-style: chr9-128626915-G-C. GRCh37 (hg19) VCF-style: chr9-131389194-G-C.
Other names: c.6576+228G>C (NM_001363759.2); c.6561+228G>C (NM_003127.4); c.6516+228G>C (NM_001363765.2); c.6501+228G>C (NM_001195532.2).
Identifiers: ClinVar variation 670577 (VCV000670577.2), dbSNP rs10760568, ClinGen allele CA13020769.

ClinVar aggregate classification (germline): Benign. Review status: criteria provided, multiple submitters, no conflicts (2 of 4 stars). 2 submissions from 2 submitters: Benign (2). Last evaluated 2018-06-14.

Allele frequency attached by ClinVar (database versions not stated): 1000 Genomes Project 30x 0.64272; 1000 Genomes Project 0.64437; TOPMed 0.73365; gnomAD 0.75073; gnomAD exomes 0.83609.
gnomAD v4.1: 516,250 of 633,776 alleles (81%); highest among the groups gnomAD compares: Non-Finnish European, 90%; 217,094 homozygotes.

Submissions (2):

GeneDx
Classification: Benign. Last evaluated: 2018-06-14. Review status: criteria provided, single submitter. Criteria: GeneDx Variant Classification (06012015). Collection method: clinical testing. Allele origin: germline. Affected: yes.
Comment: This variant is considered likely benign or benign based on one or more of the following criteria: it is a conservative change, it occurs at a poorly conserved position in the protein, it is predicted to be benign by multiple in silico algorithms, and/or has population frequency not consistent with disease.

Breakthrough Genomics
Classification: Benign. Review status: criteria provided, single submitter. Criteria: ACMG Guidelines, 2015. Collection method: not provided. Allele origin: germline. Inheritance: Autosomal dominant inheritance. Affected: yes.